The following is an entry in ClinVar:

ClinVar aggregate classification (germline): Benign. Review status: criteria provided, multiple submitters, no conflicts (2 of 4 stars). 3 submissions from 3 submitters: Benign (2). 1 of the submissions does not count toward it. Last evaluated 2018-03-29.

Conditions:
ZMYM2-related disorder. Also called: ZMYM2-related condition.

Allele frequency attached by ClinVar (database versions not stated): gnomAD exomes 0.00136 and 0.00351; ExAC 0.00436; gnomAD 0.01384 and 0.01478; ESP Exome Variant Server 0.01426; TOPMed 0.01660; 1000 Genomes Project 0.01857; 1000 Genomes Project 30x 0.01968.
gnomAD v4.1: 4,155 of 1,607,106 alleles (0.26%); highest among the groups gnomAD compares: African/African-American, 4.6%; 75 homozygotes.

Submissions (3):

Labcorp Genetics (formerly Invitae), Labcorp
Classification: Benign. Last evaluated: 2018-03-29. Review status: criteria provided, single submitter. Criteria: Invitae Variant Classification Sherloc (09022015). Collection method: clinical testing. Allele origin: germline.

Breakthrough Genomics
Classification: Benign. Review status: criteria provided, single submitter. Criteria: ACMG Guidelines, 2015. Collection method: not provided. Allele origin: germline. Inheritance: Autosomal dominant inheritance. Affected: yes.

PreventionGenetics, part of Exact Sciences
Classification: Benign for ZMYM2-related condition. Last evaluated: 2024-08-07. Review status: no assertion criteria provided. Collection method: clinical testing. Allele origin: germline. Not counted in ClinVar's aggregate classification.
Comment: This variant is classified as benign based on ACMG/AMP sequence variant interpretation guidelines (Richards et al. 2015 PMID: 25741868, with internal and published modifications).

NM_197968.4(ZMYM2):c.1173G>A (p.Val391=)

Gene: ZMYM2 (zinc finger MYM-type containing 2; plus strand). Cytogenetic location: 13q12.11.
Variant type: single nucleotide variant.
Coding change: c.1173G>A on transcript NM_197968.4 (MANE Select); coding-DNA position 1173, G replaced by A.
Protein change: p.Val391=; no amino-acid change (valine 391 retained).
Molecular consequence: synonymous variant. On other transcripts: non-coding transcript variant (1).
Genome position (GRCh38, 1-based): chr13:20,005,113, G>A. VCF-style: chr13-20005113-G-A. GRCh37 (hg19) VCF-style: chr13-20579253-G-A.
Other names: c.1173G>A, p.Val391= (NM_001190964.4, NM_001190965.4, NM_001353157.2 and 5 more transcripts); c.978G>A, p.Val326= (NM_001353161.3); c.912G>A, p.Val304= (NM_001353163.2); c.1173G>A (NM_197968.3).
Identifiers: ClinVar variation 717358 (VCV000717358.5), dbSNP rs115819790, ClinGen allele CA6903321.